The following is an entry in ClinVar:

NM_181078.3(IL21R):c.8G>A (p.Arg3His)

Gene: IL21R (interleukin 21 receptor; plus strand). Cytogenetic location: 16p12.1.
Variant type: single nucleotide variant.
Coding change: c.8G>A on transcript NM_181078.3 (MANE Select); coding-DNA position 8, G replaced by A.
Protein change: p.Arg3His; replaces arginine 3 with histidine.
Molecular consequence: missense variant.
Genome position (GRCh38, 1-based): chr16:27,430,079, G>A. VCF-style: chr16-27430079-G-A. GRCh37 (hg19) VCF-style: chr16-27441400-G-A.
Other names: c.8G>A, p.Arg3His (NM_021798.4); c.74G>A, p.Arg25His (NM_181079.5); short protein forms R25H, R3H.
Identifiers: ClinVar variation 844210 (VCV000844210.9), dbSNP rs913538510, ClinGen allele CA279693040.
Genomic context (GRCh38, chr16:27,430,079, plus strand): 5'-CCCGCCTGGCTCACCCTCCACTGTACGTCTCTTGCAGGCCCGTGGGAGTCAGCATGCCGC[G>A]TGGCTGGGCCGCCCCCTTGCTCCTGCTGCTGCTCCAGGGAGGTAAGTGGCTGCCCCGTGG-3'
Protein context (NP_851564.1, residues 1-13): MP[Arg3His]GWAAPLLLLL

ClinVar aggregate classification (germline): Uncertain significance (1 of 4 stars; one submission).

Conditions:
Cryptosporidiosis-chronic cholangitis-liver disease syndrome. Also called: IL21R immunodeficiency; Immunodeficiency type 56. Identifiers: Orphanet 357329, MedGen C3554687, MONDO:0014082, OMIM 615207.

Allele frequency attached by ClinVar (database versions not stated): gnomAD 0.00001; gnomAD exomes below 0.00001; TOPMed 0.00002.
gnomAD v4.1: 8 of 1,606,128 alleles (0.0005%); highest among the groups gnomAD compares: South Asian, 0.0011%; no homozygotes.

Submission:

Labcorp Genetics (formerly Invitae), Labcorp
Classification: Uncertain significance for Cryptosporidiosis-chronic cholangitis-liver disease syndrome. Last evaluated: 2022-03-19. Review status: criteria provided, single submitter. Criteria: Invitae Variant Classification Sherloc (09022015). Collection method: clinical testing. Allele origin: germline.
Comment: ClinVar contains an entry for this variant (Variation ID: 844210). In summary, the available evidence is currently insufficient to determine the role of this variant in disease. Therefore, it has been classified as a Variant of Uncertain Significance. Algorithms developed to predict the effect of missense changes on protein structure and function are either unavailable or do not agree on the potential impact of this missense change (SIFT: "Tolerated"; PolyPhen-2: "Possibly Damaging"; Align-GVGD: "Class C0"). This variant has not been reported in the literature in individuals affected with IL21R-related conditions. The frequency data for this variant in the population databases is considered unreliable, as metrics indicate poor data quality at this position in the gnomAD database. This sequence change replaces arginine, which is basic and polar, with histidine, which is basic and polar, at codon 3 of the IL21R protein (p.Arg3His).